The following is an entry in ClinVar:

ClinVar aggregate classification (germline): Uncertain significance (1 of 4 stars; one submission).

Conditions:
HNSHA due to aldolase A deficiency (GSD12). Also called: GLYCOGEN STORAGE DISEASE XII; GSD XII; RED CELL ALDOLASE DEFICIENCY; Glycogen storage disease due to aldolase A deficiency. Identifiers: Orphanet 57, MedGen C0272066, MONDO:0012747, OMIM 611881.

Allele frequency attached by ClinVar (database versions not stated): gnomAD exomes 0.00001; TOPMed 0.00001; ExAC 0.00002.
gnomAD v4.1: 6 of 1,613,526 alleles (0.00037%); highest among the groups gnomAD compares: Admixed American, 0.0083%; no homozygotes.

Submission:

Labcorp Genetics (formerly Invitae), Labcorp
Classification: Uncertain significance for HNSHA due to aldolase A deficiency. Last evaluated: 2022-08-09. Review status: criteria provided, single submitter. Criteria: Invitae Variant Classification Sherloc (09022015). Collection method: clinical testing. Allele origin: germline.
Comment: This variant has not been reported in the literature in individuals affected with ALDOA-related conditions. This variant is present in population databases (rs746453321, gnomAD 0.01%). Algorithms developed to predict the effect of missense changes on protein structure and function are either unavailable or do not agree on the potential impact of this missense change (SIFT: "Deleterious"; PolyPhen-2: "Benign"; Align-GVGD: "Class C0"). In summary, the available evidence is currently insufficient to determine the role of this variant in disease. Therefore, it has been classified as a Variant of Uncertain Significance. This sequence change replaces threonine, which is neutral and polar, with alanine, which is neutral and non-polar, at codon 52 of the ALDOA protein (p.Thr52Ala).

NM_001243177.4(ALDOA):c.316A>G (p.Thr106Ala)

Genes: ALDOA (aldolase, fructose-bisphosphate A; plus strand), LOC112694756 (uncharaterized LOC112694756; plus strand). Cytogenetic location: 16p11.2.
Variant type: single nucleotide variant.
Coding change: c.316A>G on transcript NM_001243177.4 (MANE Select); coding-DNA position 316, A replaced by G.
Protein change: p.Thr106Ala; replaces threonine 106 with alanine.
Molecular consequence: missense variant. On other transcripts: 3 prime UTR variant (3).
Genome position (GRCh38, 1-based): chr16:30,067,491, A>G. VCF-style: chr16-30067491-A-G. GRCh37 (hg19) VCF-style: chr16-30078812-A-G.
Other names: c.*663A>G (NM_001365304.2, NM_001365305.2, NM_001365307.2); c.154A>G, p.Thr52Ala (NM_001127617.2, NM_184041.5, NM_184043.2); short protein forms T106A, T52A.
Identifiers: ClinVar variation 2150435 (VCV002150435.4), dbSNP rs746453321, ClinGen allele CA8000883.